The following is an entry in ClinVar:

ClinVar aggregate classification (germline): Uncertain significance (1 of 4 stars; one submission).

Submission:

GeneDx
Classification: Uncertain significance. Last evaluated: 2025-07-16. Review status: criteria provided, single submitter. Criteria: GeneDx Variant Classification Process June 2021. Collection method: clinical testing. Allele origin: germline. Affected: yes.
Comment: Not observed at significant frequency in large population cohorts (gnomAD); In silico analysis supports that this missense variant has a deleterious effect on protein structure/function; Has not been previously published as pathogenic or benign to our knowledge

NM_003922.4(HERC1):c.4820C>T (p.Pro1607Leu)

Gene: HERC1 (HECT and RLD domain containing E3 ubiquitin protein ligase family member 1; minus strand). Cytogenetic location: 15q22.31.
Variant type: single nucleotide variant.
Coding change: c.4820C>T on transcript NM_003922.4 (MANE Select); coding-DNA position 4820, C replaced by T.
Protein change: p.Pro1607Leu; replaces proline 1607 with leucine.
Molecular consequence: missense variant.
Genome position (GRCh38, 1-based): chr15:63,698,813, G>A on the plus strand (C>T on the coding strand, the complement: HERC1 is on the minus strand). VCF-style: chr15-63698813-G-A. GRCh37 (hg19) VCF-style: chr15-63991012-G-A.
Other names: short protein forms P1607L.
Identifiers: ClinVar variation 1712134 (VCV001712134.3), dbSNP rs2551503798, ClinGen allele CA392750391.
Genomic context (GRCh38, chr15:63,698,813, plus strand): 5'-ATTGCAATGATGGAGGCCTGGGGACTTGTAGACATACTTTCCTCTGGCTCTTTAAAACCT[G>A]GGGCATTCCCCACATCTCCACTCACAAAGCTTACAACATTTTCAATCAAAGTGTGAACTC-3'
Protein context (NP_003913.3, residues 1597-1617): SFVSGDVGNA[Pro1607Leu]GFKEPEESMS